The following is an entry in ClinVar:

NM_013275.6(ANKRD11):c.7623G>A (p.Ala2541=)

Gene: ANKRD11 (ankyrin repeat domain 11; minus strand). Cytogenetic location: 16q24.3.
Variant type: single nucleotide variant.
Coding change: c.7623G>A on transcript NM_013275.6 (MANE Select); coding-DNA position 7623, G replaced by A.
Protein change: p.Ala2541=; no amino-acid change (alanine 2541 retained).
Molecular consequence: synonymous variant.
Genome position (GRCh38, 1-based): chr16:89,274,904, C>T on the plus strand (G>A on the coding strand, the complement: ANKRD11 is on the minus strand). VCF-style: chr16-89274904-C-T. GRCh37 (hg19) VCF-style: chr16-89341312-C-T.
Other names: c.7623G>A, p.Ala2541= (NM_001256182.2, NM_001256183.2).
Identifiers: ClinVar variation 702085 (VCV000702085.21), dbSNP rs190789698, ClinGen allele CA8241072.
Genomic context (GRCh38, chr16:89,274,904, plus strand): 5'-GGAGTCCAGCAGCATCGTGCAGGCGCTGAATGGCACTGCCTGGTTGGCGATGGTCCTGGC[C>T]GCCCGGCAGTGAACCCGCAGAATCTCCTGCTCACAGGATACGATCAGCTTCTCCTGAAGG-3'
Protein context (NP_037407.4, residues 2531-2551): EQEILRVHCR[Ala2541=]ARTIANQAVP

ClinVar aggregate classification (germline): Benign/Likely benign. Review status: criteria provided, multiple submitters, no conflicts (2 of 4 stars). 6 submissions from 6 submitters: Benign (4); Likely benign (1). 1 of the submissions does not count toward it. Last evaluated 2026-07-01.

Conditions:
ANKRD11-related disorder. Also called: ANKRD11-related condition.
KBG syndrome (KBGS). Also called: ANKRD11-Related KBG Syndrome. Identifiers: Orphanet 2332, MedGen C0220687, MONDO:0007846, OMIM 148050.

Allele frequency attached by ClinVar (database versions not stated): ExAC 0.00002; 1000 Genomes Project 30x 0.00016; 1000 Genomes Project 0.00020; gnomAD exomes 0.00020; gnomAD 0.00053; TOPMed 0.00066.
gnomAD v4.1: 166 of 1,613,580 alleles (0.01%); highest among the groups gnomAD compares: Admixed American, 0.26%; 2 homozygotes.

Submissions (6):

CeGaT Center for Human Genetics Tuebingen
Classification: Likely benign. Last evaluated: 2026-07-01. Review status: criteria provided, single submitter. Criteria: CeGaT Center For Human Genetics Tuebingen Variant Classification Criteria Version 2. Collection method: clinical testing. Allele origin: germline. Affected: yes. Observed: 3 variant alleles.
Comment: ANKRD11: BP4, BP7, BS1

Labcorp Genetics (formerly Invitae), Labcorp
Classification: Benign for KBG syndrome. Last evaluated: 2026-01-09. Review status: criteria provided, single submitter. Criteria: Invitae Variant Classification Sherloc (09022015). Collection method: clinical testing. Allele origin: germline.

Athena Diagnostics
Classification: Benign. Last evaluated: 2024-07-30. Review status: criteria provided, single submitter. Criteria: Athena Diagnostics Criteria. Collection method: clinical testing. Allele origin: unknown.

Genome-Nilou Lab
Classification: Benign for KBG syndrome. Last evaluated: 2021-12-05. Review status: criteria provided, single submitter. Criteria: ACMG Guidelines, 2015. Collection method: clinical testing. Allele origin: germline. Affected: no.

GeneDx
Classification: Benign. Last evaluated: 2021-02-23. Review status: criteria provided, single submitter. Criteria: GeneDx Variant Classification Process June 2021. Collection method: clinical testing. Allele origin: germline. Affected: yes.

PreventionGenetics, part of Exact Sciences
Classification: Likely benign for ANKRD11-related condition. Last evaluated: 2021-01-27. Review status: no assertion criteria provided. Collection method: clinical testing. Allele origin: germline. Not counted in ClinVar's aggregate classification.
Comment: This variant is classified as likely benign based on ACMG/AMP sequence variant interpretation guidelines (Richards et al. 2015 PMID: 25741868, with internal and published modifications).